The following is an entry in ClinVar:

NM_002474.3(MYH11):c.2961C>G (p.Ile987Met)

Gene: MYH11 (myosin heavy chain 11; minus strand). Cytogenetic location: 16p13.11.
Variant type: single nucleotide variant.
Coding change: c.2961C>G on transcript NM_002474.3 (MANE Select); coding-DNA position 2961, C replaced by G.
Protein change: p.Ile987Met; replaces isoleucine 987 with methionine.
Molecular consequence: missense variant.
Genome position (GRCh38, 1-based): chr16:15,740,087, G>C on the plus strand (C>G on the coding strand, the complement: MYH11 is on the minus strand). VCF-style: chr16-15740087-G-C. GRCh37 (hg19) VCF-style: chr16-15833944-G-C.
Other names: c.2982C>G, p.Ile994Met (NM_001040113.2, NM_001040114.2); c.2961C>G, p.Ile987Met (NM_022844.3); short protein forms I987M, I994M.
Identifiers: ClinVar variation 1003673 (VCV001003673.7), dbSNP rs137988790, ClinGen allele CA7922138.

ClinVar aggregate classification (germline): Uncertain significance. Review status: criteria provided, multiple submitters, no conflicts (2 of 4 stars). 2 submissions from 2 submitters: Uncertain significance (2). Last evaluated 2024-06-09.

Conditions:
Familial thoracic aortic aneurysm and aortic dissection (TAAD). Also called: Thoracic aortic aneurysms and dissections. Identifiers: Orphanet 91387, MedGen C4707243, MONDO:0019625.
Aortic aneurysm, familial thoracic 4 (AAT4). Also called: AORTIC ANEURYSM/AORTIC DISSECTION AND PATENT DUCTUS ARTERIOSUS. Identifiers: MedGen C1851504, MONDO:0007568, OMIM 132900.

Allele frequency attached by ClinVar (database versions not stated): TOPMed 0.00001.

Submissions (2):

All of Us Research Program, National Institutes of Health
Classification: Uncertain significance for Familial thoracic aortic aneurysm and aortic dissection. Last evaluated: 2024-06-09. Review status: criteria provided, single submitter. Criteria: ACMG Guidelines, 2015. Collection method: clinical testing. Allele origin: germline. Inheritance: Autosomal dominant inheritance. Observed: 1 variant allele, 1 heterozygote.
Comment: This missense variant replaces isoleucine with methionine at codon 994 of the MYH11 protein. Computational prediction suggests that this variant may not impact protein structure and function. To our knowledge, functional studies have not been reported for this variant. This variant has not been reported in individuals affected with MYH11-related disorders in the literature. This variant has been identified in 1/251486 chromosomes in the general population by the Genome Aggregation Database (gnomAD). The available evidence is insufficient to determine the role of this variant in disease conclusively. Therefore, this variant is classified as a Variant of Uncertain Significance.

This study involves interpretation of variants in research participants for the purpose of population health screening. Participant phenotype was not available at the time of variant classification. Additional details can be found in publication PMID: 35346344, PMCID: PMC8962531

Labcorp Genetics (formerly Invitae), Labcorp
Classification: Uncertain significance for Aortic aneurysm, familial thoracic 4. Last evaluated: 2021-08-27. Review status: criteria provided, single submitter. Criteria: Invitae Variant Classification Sherloc (09022015). Collection method: clinical testing. Allele origin: germline.
Comment: This sequence change replaces isoleucine with methionine at codon 994 of the MYH11 protein (p.Ile994Met). The isoleucine residue is moderately conserved and there is a small physicochemical difference between isoleucine and methionine. This variant is present in population databases (rs137988790, ExAC 0.01%). This variant has not been reported in the literature in individuals affected with MYH11-related conditions. Algorithms developed to predict the effect of missense changes on protein structure and function output the following: SIFT: "Deleterious"; PolyPhen-2: "Benign"; Align-GVGD: "Class C0". The methionine amino acid residue is found in multiple mammalian species, which suggests that this missense change does not adversely affect protein function. In summary, the available evidence is currently insufficient to determine the role of this variant in disease. Therefore, it has been classified as a Variant of Uncertain Significance.